The following is an entry in ClinVar:

ClinVar aggregate classification (germline): Uncertain significance (1 of 4 stars; one submission).

gnomAD v4.1: 1 of 1,613,818 alleles (0.000062%); highest among the groups gnomAD compares: Non-Finnish European, 0.000085%; no homozygotes.

Submission:

GeneDx
Classification: Uncertain significance. Last evaluated: 2025-03-17. Review status: criteria provided, single submitter. Criteria: GeneDx Variant Classification Process June 2021. Collection method: clinical testing. Allele origin: germline. Affected: yes.
Comment: Not observed at significant frequency in large population cohorts (gnomAD); In silico analysis supports that this missense variant has a deleterious effect on protein structure/function; Has not been previously published as pathogenic or benign to our knowledge

NM_001458.5(FLNC):c.4447G>A (p.Gly1483Ser)

Gene: FLNC (filamin C; plus strand). Cytogenetic location: 7q32.1.
Variant type: single nucleotide variant.
Coding change: c.4447G>A on transcript NM_001458.5 (MANE Select); coding-DNA position 4447, G replaced by A.
Protein change: p.Gly1483Ser; replaces glycine 1483 with serine.
Molecular consequence: missense variant.
Genome position (GRCh38, 1-based): chr7:128,847,855, G>A. VCF-style: chr7-128847855-G-A. GRCh37 (hg19) VCF-style: chr7-128487909-G-A.
Other names: c.4447G>A, p.Gly1483Ser (NM_001127487.2); short protein forms G1483S.
Identifiers: ClinVar variation 4086640 (VCV004086640.1).